The following is an entry in ClinVar:

ClinVar aggregate classification (germline): Likely benign. Review status: criteria provided, multiple submitters, no conflicts (2 of 4 stars). 2 submissions from 2 submitters: Likely benign (2). Last evaluated 2025-12-15.

Conditions:
KRT14-related disorder. Also called: KRT14-related condition.

Allele frequency attached by ClinVar (database versions not stated): gnomAD exomes 0.00003; ExAC 0.00019; gnomAD 0.00040; TOPMed 0.00043.

Submissions (2):

Labcorp Genetics (formerly Invitae), Labcorp
Classification: Likely benign. Last evaluated: 2025-12-15. Review status: criteria provided, single submitter. Criteria: Invitae Variant Classification Sherloc (09022015). Collection method: clinical testing. Allele origin: germline.

PreventionGenetics, part of Exact Sciences
Classification: Likely benign for KRT14-related condition. Last evaluated: 2024-11-08. Review status: criteria provided, single submitter. Criteria: ACMG Guidelines, 2015. Collection method: clinical testing. Allele origin: germline.
Comment: This variant is classified as likely benign based on ACMG/AMP sequence variant interpretation guidelines (Richards et al. 2015 PMID: 25741868, with internal and published modifications).

NM_000526.5(KRT14):c.114G>T (p.Gly38=)

Gene: KRT14 (keratin 14; minus strand). Cytogenetic location: 17q21.2.
Variant type: single nucleotide variant.
Coding change: c.114G>T on transcript NM_000526.5 (MANE Select); coding-DNA position 114, G replaced by T.
Protein change: p.Gly38=; no amino-acid change (glycine 38 retained).
Molecular consequence: synonymous variant.
Genome position (GRCh38, 1-based): chr17:41,586,721, C>A on the plus strand (G>T on the coding strand, the complement: KRT14 is on the minus strand). VCF-style: chr17-41586721-C-A. GRCh37 (hg19) VCF-style: chr17-39742973-C-A.
Other names: c.114G>T (NM_000526.4).
Identifiers: ClinVar variation 2885111 (VCV002885111.4), dbSNP rs759546584, ClinGen allele CA8562815.